The following is an entry in ClinVar:

ClinVar aggregate classification (germline): Uncertain significance (1 of 4 stars; one submission).

Submission:

Labcorp Genetics (formerly Invitae), Labcorp
Classification: Uncertain significance. Last evaluated: 2021-03-30. Review status: criteria provided, single submitter. Criteria: Invitae Variant Classification Sherloc (09022015). Collection method: clinical testing. Allele origin: germline.
Comment: This sequence change replaces valine with leucine at codon 48 of the HERC1 protein (p.Val48Leu). The valine residue is highly conserved and there is a small physicochemical difference between valine and leucine. This variant is not present in population databases (ExAC no frequency). This variant has not been reported in the literature in individuals with HERC1-related conditions. Algorithms developed to predict the effect of missense changes on protein structure and function are either unavailable or do not agree on the potential impact of this missense change (SIFT: "Deleterious"; PolyPhen-2: "Possibly Damaging"; Align-GVGD: "Class C0"). In summary, the available evidence is currently insufficient to determine the role of this variant in disease. Therefore, it has been classified as a Variant of Uncertain Significance.

NM_003922.4(HERC1):c.142G>C (p.Val48Leu)

Gene: HERC1 (HECT and RLD domain containing E3 ubiquitin protein ligase family member 1; minus strand). Cytogenetic location: 15q22.31.
Variant type: single nucleotide variant.
Coding change: c.142G>C on transcript NM_003922.4 (MANE Select); coding-DNA position 142, G replaced by C.
Protein change: p.Val48Leu; replaces valine 48 with leucine.
Molecular consequence: missense variant.
Genome position (GRCh38, 1-based): chr15:63,775,482, C>G on the plus strand (G>C on the coding strand, the complement: HERC1 is on the minus strand). VCF-style: chr15-63775482-C-G. GRCh37 (hg19) VCF-style: chr15-64067681-C-G.
Other names: short protein forms V48L.
Identifiers: ClinVar variation 1521510 (VCV001521510.8), dbSNP rs2142999345, ClinGen allele CA392807199.
Genomic context (GRCh38, chr15:63,775,482, plus strand): 5'-CACGTTCAAAGTCTGGCAACTGTGGTCCTTTGAGGCATAAAACTTGTTGGGGCAAAGGTA[C>G]TACTTCCTTATTGCTAACCAGTTTAGAATACAGAACAGCAACTCCCTCTCTTGTAGCAAT-3'
Protein context (NP_003913.3, residues 38-58): YSKLVSNKEV[Val48Leu]PLPQQVLCLK